The following is an entry in ClinVar:

ClinVar aggregate classification (germline): Pathogenic/Likely pathogenic. Review status: criteria provided, multiple submitters, no conflicts (2 of 4 stars). 6 submissions from 6 submitters: Pathogenic (4); Likely pathogenic (2). Last evaluated 2024-10-09.

Conditions:
Neurofibromatosis, type 1 (NF1). Also called: NEUROFIBROMATOSIS, TYPE I, SOMATIC; Neurofibromatosis, type I; VON RECKLINGHAUSEN DISEASE; Peripheral type neurofibromatosis. Identifiers: Orphanet 636, MedGen C0027831, MONDO:0018975, OMIM 162200. Disease mechanism: loss of function.
Neurofibromatosis-Noonan syndrome (NFNS). Also called: NEUROFIBROMATOSIS WITH NOONAN PHENOTYPE. Identifiers: Orphanet 638, MedGen C2931482, MONDO:0011035, OMIM 601321. Disease mechanism: loss of function.
Café-au-lait macules with pulmonary stenosis (WTSN). Also called: PULMONIC STENOSIS WITH CAFE-AU-LAIT SPOTS. Identifiers: MedGen C0553586, MONDO:0008672, OMIM 193520.
Neurofibromatosis, familial spinal (FSNF). Identifiers: Orphanet 636, MedGen C1834235, MONDO:0008078, OMIM 162210. Disease mechanism: loss of function.
Juvenile myelomonocytic leukemia (JMML). Also called: LEUKEMIA, JUVENILE MYELOMONOCYTIC, SOMATIC. Identifiers: Orphanet 86834, MedGen C0349639, MONDO:0011908, OMIM 607785, HP:0012209.
Hereditary cancer-predisposing syndrome. Also called: Hereditary neoplastic syndrome; Tumor predisposition; Neoplastic Syndromes, Hereditary; Hereditary Cancer Syndrome. Identifiers: Orphanet 140162, MedGen C0027672, MeSH D009386, MONDO:0015356.

Submissions (6):

GeneDx
Classification: Pathogenic. Last evaluated: 2024-10-09. Review status: criteria provided, single submitter. Criteria: GeneDx Variant Classification Process June 2021. Collection method: clinical testing. Allele origin: germline. Affected: yes.
Comment: Canonical splice site variant predicted to result in an in-frame loss of the adjacent exon in a gene for which loss of function is a known mechanism of disease; Deletions involving coding exons of this gene are a known mechanism of disease (HGMD); Not observed at significant frequency in large population cohorts (gnomAD); This variant is associated with the following publications: (PMID: 33877690, 18546366)

Labcorp Genetics (formerly Invitae), Labcorp
Classification: Pathogenic for Neurofibromatosis, type 1. Last evaluated: 2024-05-06. Review status: criteria provided, single submitter. Criteria: Invitae Variant Classification Sherloc (09022015). Collection method: clinical testing. Allele origin: germline.
Comment: This sequence change affects an acceptor splice site in intron 34 of the NF1 gene. It is expected to disrupt RNA splicing. Variants that disrupt the donor or acceptor splice site typically lead to a loss of protein function (PMID: 16199547), and loss-of-function variants in NF1 are known to be pathogenic (PMID: 10712197, 23913538). This variant is not present in population databases (gnomAD no frequency). Disruption of this splice site has been observed in individuals with neurofibromatosis type 1 (PMID: 31533651; Invitae). ClinVar contains an entry for this variant (Variation ID: 484015). Algorithms developed to predict the effect of sequence changes on RNA splicing suggest that this variant may disrupt the consensus splice site. For these reasons, this variant has been classified as Pathogenic.

Genome-Nilou Lab
Classification: Pathogenic for Neurofibromatosis, type 1. Last evaluated: 2022-03-15. Review status: criteria provided, single submitter. Criteria: ACMG Guidelines, 2015. Collection method: clinical testing. Allele origin: germline. Affected: no.

Fulgent Genetics
Classification: Likely pathogenic for Neurofibromatosis, type 1; Neurofibromatosis, familial spinal; Café-au-lait macules with pulmonary stenosis; Neurofibromatosis-Noonan syndrome; Juvenile myelomonocytic leukemia. Last evaluated: 2021-10-13. Review status: criteria provided, single submitter. Criteria: ACMG Guidelines, 2015. Collection method: clinical testing. Allele origin: unknown.

CeGaT Center for Human Genetics Tuebingen
Classification: Pathogenic. Last evaluated: 2020-01-01. Review status: criteria provided, single submitter. Criteria: CeGaT Center For Human Genetics Tuebingen Variant Classification Criteria Version 2. Collection method: clinical testing. Allele origin: germline. Affected: yes. Observed: 2 variant alleles.

Ambry Genetics
Classification: Likely pathogenic for Hereditary cancer-predisposing syndrome. Last evaluated: 2016-01-08. Review status: criteria provided, single submitter. Criteria: Ambry Autosomal Dominant and X-Linked criteria (10/2015). Collection method: clinical testing. Allele origin: germline. Observed: 1 variant allele.
Comment: The c.4725-1G>A intronic variant results from a G to A substitution one nucleotide upstream from coding exon 36 of the NF1 gene. This variant was not reported in population based cohorts in the following databases: Database of Single Nucleotide Polymorphisms (dbSNP), NHLBI Exome Sequencing Project (ESP), and 1000 Genomes Project. In the ESP, this variant was not observed in 6501 samples (13002 alleles) with coverage at this position.<span style="font-family:arial,sans-serif; font-size:10pt">To date, this alteration has been detected with an allele frequency of approximately 0.001% (greater than 110000 alleles tested) in our clinical cohort.This nucleotide position is highly conserved in available vertebrate species. Using the BDGP and ESEfinder splice site prediction tools, this alteration is predicted to create a new alternate splice acceptor site; however, direct evidence is unavailable.Alterations that disrupt the canonical splice acceptor site are typically deleterious in nature (ACMGRecommendations for Standards for Interpretation and Reporting of Sequence Variations. Revision 2007.Genet Med.2008;10:294). As such, the c.4725-1G>A variant is classified as likely pathogenic.

Literature cited by the submitters: PubMed 16199547 (cited by Labcorp Genetics (formerly Invitae), Labcorp); PubMed 10712197 (cited by Labcorp Genetics (formerly Invitae), Labcorp); PubMed 23913538 (cited by Labcorp Genetics (formerly Invitae), Labcorp); PubMed 31533651 (cited by Labcorp Genetics (formerly Invitae), Labcorp).

NM_001042492.3(NF1):c.4725-1G>A

Gene: NF1 (neurofibromin 1; plus strand). Cytogenetic location: 17q11.2.
Variant type: single nucleotide variant.
Coding change: c.4725-1G>A on transcript NM_001042492.3 (MANE Select); the canonical splice acceptor site of the intron before coding-DNA position 4725, G replaced by A.
Molecular consequence: splice acceptor variant.
Genome position (GRCh38, 1-based): chr17:31,265,228, G>A. VCF-style: chr17-31265228-G-A. GRCh37 (hg19) VCF-style: chr17-29592246-G-A.
Other names: c.4662-1G>A (NM_000267.4).
Identifiers: ClinVar variation 484015 (VCV000484015.50), dbSNP rs1555619391, ClinGen allele CA399001138.
Genomic context (GRCh38, chr17:31,265,228, plus strand): 5'-TTTTTTACATACTCAGTAGACAACATAAAGCCTCATAATTACTCTGTTATTTTTCTTTTA[G>A]GCATCAGGTACATGAAAAAGAAGAATTCAAGGCTTTGAAAACGTTAAGTATTTTCTACCA-3'